The following is an entry in ClinVar:

ClinVar aggregate classification (germline): Uncertain significance (1 of 4 stars; one submission).

Submission:

Labcorp Genetics (formerly Invitae), Labcorp
Classification: Uncertain significance. Last evaluated: 2025-05-11. Review status: criteria provided, single submitter. Criteria: Invitae Variant Classification Sherloc (09022015). Collection method: clinical testing. Allele origin: germline.
Comment: This sequence change replaces methionine, which is neutral and non-polar, with valine, which is neutral and non-polar, at codon 279 of the IFT88 protein (p.Met279Val). This variant is not present in population databases (gnomAD no frequency). This variant has not been reported in the literature in individuals affected with IFT88-related conditions. An algorithm developed to predict the effect of missense changes on protein structure and function (PolyPhen-2) suggests that this variant is likely to be tolerated. In summary, the available evidence is currently insufficient to determine the role of this variant in disease. Therefore, it has been classified as a Variant of Uncertain Significance.

NM_006531.5(IFT88):c.808A>G (p.Met270Val)

Gene: IFT88 (intraflagellar transport 88; plus strand). Cytogenetic location: 13q12.11.
Variant type: single nucleotide variant.
Coding change: c.808A>G on transcript NM_006531.5 (MANE Select); coding-DNA position 808, A replaced by G.
Protein change: p.Met270Val; replaces methionine 270 with valine.
Molecular consequence: missense variant. On other transcripts: non-coding transcript variant (5).
Genome position (GRCh38, 1-based): chr13:20,599,561, A>G. VCF-style: chr13-20599561-A-G. GRCh37 (hg19) VCF-style: chr13-21173700-A-G.
Other names: c.751A>G, p.Met251Val (NM_001318491.2, NM_001353573.2, NM_001353574.2 and 1 more transcripts); c.835A>G, p.Met279Val (NM_001318493.2, NM_001353565.2, NM_001353566.2 and 6 more transcripts); c.808A>G, p.Met270Val (NM_001353568.2, NM_001353571.2, NM_001353572.2 and 1 more transcripts); c.175A>G, p.Met59Val (NM_001353579.2); short protein forms M279V, M251V, M270V, M59V.
Identifiers: ClinVar variation 4719066 (VCV004719066.1).